The following is an entry in ClinVar:

NM_000553.6(WRN):c.3234-1G>A

Gene: WRN (WRN RecQ like helicase; plus strand). Cytogenetic location: 8p12.
Variant type: single nucleotide variant.
Coding change: c.3234-1G>A on transcript NM_000553.6 (MANE Select); the canonical splice acceptor site of the intron before coding-DNA position 3234, G replaced by A.
Molecular consequence: splice acceptor variant.
Genome position (GRCh38, 1-based): chr8:31,142,625, G>A. VCF-style: chr8-31142625-G-A. GRCh37 (hg19) VCF-style: chr8-31000141-G-A.
Identifiers: ClinVar variation 1514754 (VCV001514754.9), dbSNP rs866300270, ClinGen allele CA370923268.

ClinVar aggregate classification (germline): Likely pathogenic (1 of 4 stars; one submission).

Conditions:
Werner syndrome (WRN). Identifiers: Orphanet 902, MedGen C0043119, MONDO:0010196, OMIM 277700.

Allele frequency attached by ClinVar (database versions not stated): TOPMed below 0.00001.

Submission:

Labcorp Genetics (formerly Invitae), Labcorp
Classification: Likely pathogenic for Werner syndrome. Last evaluated: 2025-04-24. Review status: criteria provided, single submitter. Criteria: Invitae Variant Classification Sherloc (09022015). Collection method: clinical testing. Allele origin: germline.
Comment: This sequence change affects an acceptor splice site in intron 26 of the WRN gene. It is expected to disrupt RNA splicing. Variants that disrupt the donor or acceptor splice site typically lead to a loss of protein function (PMID: 16199547), and loss-of-function variants in WRN are known to be pathogenic (PMID: 16673358). This variant is not present in population databases (gnomAD no frequency). This variant has not been reported in the literature in individuals affected with WRN-related conditions. ClinVar contains an entry for this variant (Variation ID: 1514754). Algorithms developed to predict the effect of sequence changes on RNA splicing suggest that this variant may disrupt the consensus splice site. In summary, the currently available evidence indicates that the variant is pathogenic, but additional data are needed to prove that conclusively. Therefore, this variant has been classified as Likely Pathogenic.

Literature cited by the submitters: PubMed 16199547; PubMed 16673358.